The following is an entry in ClinVar:

ClinVar aggregate classification (germline): Uncertain significance. Review status: criteria provided, multiple submitters, no conflicts (2 of 4 stars). 2 submissions from 2 submitters: Uncertain significance (2). Last evaluated 2022-07-26.

Conditions:
Hyperphosphatasia with impaired intellectual development syndrome 2. Also called: GLYCOSYLPHOSPHATIDYLINOSITOL BIOSYNTHESIS DEFECT 6; Hyperphosphatasia with intellectual disability syndrome 2. Identifiers: Orphanet 247262, MedGen C3553637, MONDO:0013882, OMIM 614749.

Allele frequency attached by ClinVar (database versions not stated): TOPMed 0.00004; gnomAD exomes 0.00008 and 0.00003; ExAC 0.00006; gnomAD 0.00001.
gnomAD v4.1: 22 of 1,613,784 alleles (0.0014%); highest among the groups gnomAD compares: Admixed American, 0.037%; no homozygotes.

Submissions (2):

Labcorp Genetics (formerly Invitae), Labcorp
Classification: Uncertain significance for Hyperphosphatasia with impaired intellectual development syndrome 2. Last evaluated: 2022-07-26. Review status: criteria provided, single submitter. Criteria: Invitae Variant Classification Sherloc (09022015). Collection method: clinical testing. Allele origin: germline.
Comment: This sequence change replaces glycine, which is neutral and non-polar, with serine, which is neutral and polar, at codon 150 of the PIGO protein (p.Gly150Ser). This variant is present in population databases (rs774734630, gnomAD 0.05%). This variant has not been reported in the literature in individuals affected with PIGO-related conditions. ClinVar contains an entry for this variant (Variation ID: 473233). Algorithms developed to predict the effect of missense changes on protein structure and function are either unavailable or do not agree on the potential impact of this missense change (SIFT: "Deleterious"; PolyPhen-2: "Benign"; Align-GVGD: "Class C55"). Algorithms developed to predict the effect of sequence changes on RNA splicing suggest that this variant may create or strengthen a splice site. In summary, the available evidence is currently insufficient to determine the role of this variant in disease. Therefore, it has been classified as a Variant of Uncertain Significance.

Fulgent Genetics
Classification: Uncertain significance for Hyperphosphatasia with impaired intellectual development syndrome 2. Last evaluated: 2018-10-31. Review status: criteria provided, single submitter. Criteria: ACMG Guidelines, 2015. Collection method: clinical testing. Allele origin: unknown.

NM_032634.4(PIGO):c.448G>A (p.Gly150Ser)

Gene: PIGO (phosphatidylinositol glycan anchor biosynthesis class O; minus strand). Cytogenetic location: 9p13.3.
Variant type: single nucleotide variant.
Coding change: c.448G>A on transcript NM_032634.4 (MANE Select); coding-DNA position 448, G replaced by A.
Protein change: p.Gly150Ser; replaces glycine 150 with serine.
Molecular consequence: missense variant.
Genome position (GRCh38, 1-based): chr9:35,095,118, C>T on the plus strand (G>A on the coding strand, the complement: PIGO is on the minus strand). VCF-style: chr9-35095118-C-T. GRCh37 (hg19) VCF-style: chr9-35095115-C-T.
Other names: c.448G>A, p.Gly150Ser (NM_001201484.2, NM_152850.4); short protein forms G150S.
Identifiers: ClinVar variation 473233 (VCV000473233.5), dbSNP rs774734630, ClinGen allele CA5040946.